The following is an entry in ClinVar:

ClinVar aggregate classification (germline): Uncertain significance. Review status: criteria provided, multiple submitters, no conflicts (2 of 4 stars). 6 submissions from 6 submitters: Uncertain significance (6). Last evaluated 2026-01-26.

Conditions:
ANKS6-related disorder. Also called: ANKS6-related condition.
Inborn genetic diseases. Identifiers: MedGen C0950123, MeSH D030342.
Nephronophthisis 16 (NPHP16). Identifiers: Orphanet 655, MedGen C3809320, MONDO:0014158, OMIM 615382.

Allele frequency attached by ClinVar (database versions not stated): gnomAD exomes 0.00006; ExAC 0.00009; gnomAD 0.00011; TOPMed 0.00012; ESP Exome Variant Server 0.00024.
gnomAD v4.1: 105 of 1,608,358 alleles (0.0065%); highest among the groups gnomAD compares: Middle Eastern, 0.033%; no homozygotes.

Submissions (6):

PreventionGenetics, part of Exact Sciences
Classification: Uncertain significance for ANKS6-related condition. Last evaluated: 2026-01-26. Review status: criteria provided, single submitter. Criteria: ACMG Guidelines, 2015. Collection method: clinical testing. Allele origin: germline.
Comment: The ANKS6 c.2225C>T variant is predicted to result in the amino acid substitution p.Ser742Leu. To our knowledge, this variant has not been reported in the literature. This variant is reported in 0.031% of alleles in individuals of South Asian descent in gnomAD. At this time, the clinical significance of this variant is uncertain due to the absence of conclusive functional and genetic evidence.

Labcorp Genetics (formerly Invitae), Labcorp
Classification: Uncertain significance for Nephronophthisis 16. Last evaluated: 2025-11-10. Review status: criteria provided, single submitter. Criteria: Invitae Variant Classification Sherloc (09022015). Collection method: clinical testing. Allele origin: germline.
Comment: This sequence change replaces serine, which is neutral and polar, with leucine, which is neutral and non-polar, at codon 742 of the ANKS6 protein (p.Ser742Leu). This variant is present in population databases (rs200673311, gnomAD 0.03%). This variant has not been reported in the literature in individuals affected with ANKS6-related conditions. ClinVar contains an entry for this variant (Variation ID: 2026384). An algorithm developed to predict the effect of missense changes on protein structure and function (PolyPhen-2) suggests that this variant is likely to be tolerated. In summary, the available evidence is currently insufficient to determine the role of this variant in disease. Therefore, it has been classified as a Variant of Uncertain Significance.

Blueprint Genetics
Classification: Uncertain significance. Last evaluated: 2024-10-23. Review status: criteria provided, single submitter. Criteria: ACMG Guidelines, 2015. Collection method: clinical testing. Allele origin: germline.

Fulgent Genetics
Classification: Uncertain significance for Nephronophthisis 16. Last evaluated: 2024-03-22. Review status: criteria provided, single submitter. Criteria: ACMG Guidelines, 2015. Collection method: clinical testing. Allele origin: germline.

CeGaT Center for Human Genetics Tuebingen
Classification: Uncertain significance. Last evaluated: 2023-01-01. Review status: criteria provided, single submitter. Criteria: CeGaT Center For Human Genetics Tuebingen Variant Classification Criteria Version 2. Collection method: clinical testing. Allele origin: germline. Affected: yes. Observed: 1 variant allele.

Ambry Genetics
Classification: Uncertain significance for Inborn genetic diseases. Last evaluated: 2021-06-21. Review status: criteria provided, single submitter. Criteria: Ambry Variant Classification Scheme 2023. Collection method: clinical testing. Allele origin: germline.

NM_173551.5(ANKS6):c.2225C>T (p.Ser742Leu)

Gene: ANKS6 (ankyrin repeat and sterile alpha motif domain containing 6; minus strand). Cytogenetic location: 9q22.33.
Variant type: single nucleotide variant.
Coding change: c.2225C>T on transcript NM_173551.5 (MANE Select); coding-DNA position 2225, C replaced by T.
Protein change: p.Ser742Leu; replaces serine 742 with leucine.
Molecular consequence: missense variant.
Genome position (GRCh38, 1-based): chr9:98,756,521, G>A on the plus strand (C>T on the coding strand, the complement: ANKS6 is on the minus strand). VCF-style: chr9-98756521-G-A. GRCh37 (hg19) VCF-style: chr9-101518803-G-A.
Other names: c.2225C>T (NM_173551.4); short protein forms S742L.
Identifiers: ClinVar variation 2026384 (VCV002026384.31), dbSNP rs200673311, ClinGen allele CA5153223.